The following is an entry in ClinVar:

NM_001243133.2(NLRP3):c.2457A>T (p.Gly819=)

Gene: NLRP3 (NLR family pyrin domain containing 3; plus strand). Cytogenetic location: 1q44.
Variant type: single nucleotide variant.
Coding change: c.2457A>T on transcript NM_001243133.2 (MANE Select); coding-DNA position 2457, A replaced by T.
Protein change: p.Gly819=; no amino-acid change (glycine 819 retained).
Molecular consequence: synonymous variant.
Genome position (GRCh38, 1-based): chr1:247,434,238, A>T. VCF-style: chr1-247434238-A-T. GRCh37 (hg19) VCF-style: chr1-247597540-A-T.
Other names: c.2457A>T, p.Gly819= (NM_001079821.3, NM_001127461.3); c.2286A>T, p.Gly762= (NM_001127462.3, NM_183395.3); c.2463A>T, p.Gly821= (NM_004895.5).
Identifiers: ClinVar variation 507238 (VCV000507238.5), dbSNP rs202034848, ClinGen allele CA1495242.

ClinVar aggregate classification (germline): Benign/Likely benign. Review status: criteria provided, multiple submitters, no conflicts (2 of 4 stars). 3 submissions from 3 submitters: Benign (1); Likely benign (2). Last evaluated 2024-09-05.

Conditions:
Cryopyrin associated periodic syndrome (CAPS). Identifiers: Orphanet 208650, MedGen C2316212, MONDO:0016168.

Allele frequency attached by ClinVar (database versions not stated): TOPMed 0.00002; gnomAD exomes 0.00030 and 0.00072; ExAC 0.00037; gnomAD 0.00055 and 0.00059.
gnomAD v4.1: 511 of 1,614,054 alleles (0.032%); highest among the groups gnomAD compares: Non-Finnish European, 0.00085%; 1 homozygote.

Submissions (3):

Blueprint Genetics
Classification: Likely benign. Last evaluated: 2024-09-05. Review status: criteria provided, single submitter. Criteria: ACMG Guidelines, 2015. Collection method: clinical testing. Allele origin: germline.

Labcorp Genetics (formerly Invitae), Labcorp
Classification: Benign for Cryopyrin associated periodic syndrome. Last evaluated: 2023-06-16. Review status: criteria provided, single submitter. Criteria: Invitae Variant Classification Sherloc (09022015). Collection method: clinical testing. Allele origin: germline.

GeneDx
Classification: Likely benign. Last evaluated: 2017-02-09. Review status: criteria provided, single submitter. Criteria: GeneDx Variant Classification (06012015). Collection method: clinical testing. Allele origin: germline. Affected: yes.
Comment: This variant is considered likely benign or benign based on one or more of the following criteria: it is a conservative change, it occurs at a poorly conserved position in the protein, it is predicted to be benign by multiple in silico algorithms, and/or has population frequency not consistent with disease.